The following is an entry in ClinVar:

ClinVar aggregate classification (germline): Uncertain significance (1 of 4 stars; one submission).

Conditions:
Dilated cardiomyopathy 1G (CMD1G). Identifiers: Orphanet 154, MedGen C1858763, MONDO:0011400, OMIM 604145.
Autosomal recessive limb-girdle muscular dystrophy type 2J (LGMDR10). Also called: Limb-girdle muscular dystrophy, type 2J; MUSCULAR DYSTROPHY, LIMB-GIRDLE, AUTOSOMAL RECESSIVE 10. Identifiers: Orphanet 140922, MedGen C1837342, MONDO:0012127, OMIM 608807.

Submission:

Labcorp Genetics (formerly Invitae), Labcorp
Classification: Uncertain significance for Dilated cardiomyopathy 1G; Autosomal recessive limb-girdle muscular dystrophy type 2J. Last evaluated: 2020-05-27. Review status: criteria provided, single submitter. Criteria: Invitae Variant Classification Sherloc (09022015). Collection method: clinical testing. Allele origin: germline.
Comment: This variant is not present in population databases (ExAC no frequency). In summary, the available evidence is currently insufficient to determine the role of this variant in disease. Therefore, it has been classified as a Variant of Uncertain Significance. Nucleotide substitutions within the consensus splice site are a relatively common cause of aberrant splicing (PMID: 17576681, 9536098). Algorithms developed to predict the effect of sequence changes on RNA splicing suggest that this variant may disrupt the consensus splice site, but this prediction has not been confirmed by published transcriptional studies. This variant is located in the A band of TTN (PMID: 25589632). Variants in this region may be relevant for cardiac or neuromuscular disorders (PMID: 25589632, 23975875). This variant has not been reported in the literature in individuals with TTN-related conditions. This sequence change falls in intron 271 of the TTN gene. It does not directly change the encoded amino acid sequence of the TTN protein, but it affects a nucleotide within the consensus splice site of the intron.

Literature cited by the submitters: PubMed 17576681; PubMed 9536098; PubMed 25589632; PubMed 23975875.

NM_001267550.2(TTN):c.51436+5G>C

Genes: TTN-AS1 (TTN antisense RNA 1; plus strand), TTN (titin; minus strand). Cytogenetic location: 2q31.2.
Variant type: single nucleotide variant.
Coding change: c.51436+5G>C on transcript NM_001267550.2 (MANE Select); 5 bases into the intron after coding-DNA position 51436, G replaced by C.
Molecular consequence: intron variant.
Genome position (GRCh38, 1-based): chr2:178,610,085, C>G on the plus strand (G>C on the coding strand, the complement: TTN is on the minus strand). VCF-style: chr2-178610085-C-G. GRCh37 (hg19) VCF-style: chr2-179474812-C-G.
Other names: c.24241+5G>C (NM_003319.4); c.24817+5G>C (NM_133437.4); c.24616+5G>C (NM_133432.3); c.43732+5G>C (NM_133378.4); c.46513+5G>C (NM_001256850.1).
Identifiers: ClinVar variation 860978 (VCV000860978.10), dbSNP rs2055951790, ClinGen allele CA916081364.